The following is an entry in ClinVar:

NM_001385012.1(NBEA):c.4681C>G (p.Gln1561Glu)

Gene: NBEA (neurobeachin; plus strand). Cytogenetic location: 13q13.3.
Variant type: single nucleotide variant.
Coding change: c.4681C>G on transcript NM_001385012.1 (MANE Select); coding-DNA position 4681, C replaced by G.
Protein change: p.Gln1561Glu; replaces glutamine 1561 with glutamic acid.
Molecular consequence: missense variant.
Genome position (GRCh38, 1-based): chr13:35,182,378, C>G. VCF-style: chr13-35182378-C-G. GRCh37 (hg19) VCF-style: chr13-35756515-C-G.
Other names: c.4672C>G, p.Gln1558Glu (NM_001379245.1); c.4681C>G, p.Gln1561Glu (NM_015678.5); short protein forms Q1558E, Q1561E.
Identifiers: ClinVar variation 3899494 (VCV003899494.1).

ClinVar aggregate classification (germline): Uncertain significance (1 of 4 stars; one submission).

Submission:

GeneDx
Classification: Uncertain significance. Last evaluated: 2024-11-14. Review status: criteria provided, single submitter. Criteria: GeneDx Variant Classification Process June 2021. Collection method: clinical testing. Allele origin: germline. Affected: yes.
Comment: Not observed at significant frequency in large population cohorts (gnomAD); In silico analysis supports that this missense variant has a deleterious effect on protein structure/function; Has not been previously published as pathogenic or benign to our knowledge